The following is an entry in ClinVar:

NM_001039.4(SCNN1G):c.435C>T (p.Ser145=)

Gene: SCNN1G (sodium channel epithelial 1 subunit gamma; plus strand). Cytogenetic location: 16p12.2.
Variant type: single nucleotide variant.
Coding change: c.435C>T on transcript NM_001039.4 (MANE Select); coding-DNA position 435, C replaced by T.
Protein change: p.Ser145=; no amino-acid change (serine 145 retained).
Molecular consequence: synonymous variant.
Genome position (GRCh38, 1-based): chr16:23,189,488, C>T. VCF-style: chr16-23189488-C-T. GRCh37 (hg19) VCF-style: chr16-23200809-C-T.
Other names: p.Ser145=.
Identifiers: ClinVar variation 318347 (VCV000318347.48), dbSNP rs62639702, ClinGen allele CA7959575.
Genomic context (GRCh38, chr16:23,189,488, plus strand): 5'-GAAGTCCCTGTATGGCTTTCCAGAGTCCCGGAAGCGCCGAGAGGCGGAGTCCTGGAACTC[C>T]GTCTCAGAGGGAAAGCAGCCTAGATTCTCCCACCGGATTCCGCTGCTGATCTTTGATCAG-3'
Protein context (NP_001030.2, residues 135-155): RKRREAESWN[Ser145=]VSEGKQPRFS

ClinVar aggregate classification (germline): Benign/Likely benign. Review status: criteria provided, multiple submitters, no conflicts (2 of 4 stars). 11 submissions from 10 submitters: Benign (4); Likely benign (7). Last evaluated 2026-08-01.

Conditions:
Liddle syndrome 2. Identifiers: MedGen C4748251, MONDO:0020854, OMIM 618114.
Pseudohypoaldosteronism, type IB1, autosomal recessive. Also called: Pseudohypoaldosteronism, Type I, Autosomal Recessive; Pseudohypoaldosteronism, Type I, Recessive; PHA I, AUTOSOMAL RECESSIVE; Autosomal recessive pseudohypoaldosteronism type 1. Identifiers: Orphanet 171876, Orphanet 756, MedGen C5774176, MONDO:0009917, OMIM 264350.
Bronchiectasis with or without elevated sweat chloride 3 (BESC3). Identifiers: Orphanet 60033, MedGen C2751324, MONDO:0013112, OMIM 613071.

Allele frequency attached by ClinVar (database versions not stated): 1000 Genomes Project 30x 0.00562; 1000 Genomes Project 0.00599; gnomAD 0.00693 and 0.00695; TOPMed 0.00698; ExAC 0.00724; ESP Exome Variant Server 0.00823.
gnomAD v4.1: 12,161 of 1,614,156 alleles (0.75%); highest among the groups gnomAD compares: Middle Eastern, 1.3%; 77 homozygotes.

Submissions (11):

CeGaT Center for Human Genetics Tuebingen
Classification: Likely benign. Last evaluated: 2026-08-01. Review status: criteria provided, single submitter. Criteria: CeGaT Center For Human Genetics Tuebingen Variant Classification Criteria Version 2. Collection method: clinical testing. Allele origin: germline. Affected: yes. Observed: 6 variant alleles.
Comment: SCNN1G: BP4, BP7, BS2

Labcorp Genetics (formerly Invitae), Labcorp
Classification: Benign. Last evaluated: 2026-01-18. Review status: criteria provided, single submitter. Criteria: Invitae Variant Classification Sherloc (09022015). Collection method: clinical testing. Allele origin: germline.

Mayo Clinic Laboratories, Mayo Clinic
Classification: Likely benign. Last evaluated: 2025-09-09. Review status: criteria provided, single submitter. Criteria: ACMG Guidelines, 2015. Collection method: clinical testing. Allele origin: germline. Observed: 2 variant alleles.
Comment: BS1, BP4, BP7

Blueprint Genetics
Classification: Likely benign. Last evaluated: 2024-11-25. Review status: criteria provided, single submitter. Criteria: ACMG Guidelines, 2015. Collection method: clinical testing. Allele origin: germline.

Fulgent Genetics
Classification: Likely benign for Pseudohypoaldosteronism, type IB1, autosomal recessive; Bronchiectasis with or without elevated sweat chloride 3; Liddle syndrome 2. Last evaluated: 2021-07-26. Review status: criteria provided, single submitter. Criteria: ACMG Guidelines, 2015. Collection method: clinical testing. Allele origin: unknown.

GeneDx
Classification: Likely benign. Last evaluated: 2021-06-11. Review status: criteria provided, single submitter. Criteria: GeneDx Variant Classification Process June 2021. Collection method: clinical testing. Allele origin: germline. Affected: yes.
Comment: See Variant Classification Assertion Criteria.

Athena Diagnostics
Classification: Benign. Last evaluated: 2018-09-17. Review status: criteria provided, single submitter. Criteria: Athena Diagnostics Criteria. Collection method: clinical testing. Allele origin: germline.

Illumina Laboratory Services, Illumina
Classification: Benign for Liddle syndrome 2. Last evaluated: 2018-01-12. Review status: criteria provided, single submitter. Criteria: ICSL Variant Classification Criteria 13 December 2019. Collection method: clinical testing. Allele origin: germline.
Comment: This variant was observed in the ICSL laboratory as part of a predisposition screen in an ostensibly healthy population. It had not been previously curated by ICSL or reported in the Human Gene Mutation Database (HGMD: prior to June 1st, 2018), and was therefore a candidate for classification through an automated scoring system. Utilizing variant allele frequency, disease prevalence and penetrance estimates, and inheritance mode, an automated score was calculated to assess if this variant is too frequent to cause the disease. Based on the score and internal cut-off values, a variant classified as benign is not then subjected to further curation. The score for this variant resulted in a classification of benign for this disease.

Illumina Laboratory Services, Illumina
Classification: Likely benign for Pseudohypoaldosteronism, type IB1, autosomal recessive. Last evaluated: 2018-01-12. Review status: criteria provided, single submitter. Criteria: ICSL Variant Classification Criteria 13 December 2019. Collection method: clinical testing. Allele origin: germline.
Comment: This variant was observed in the ICSL laboratory as part of a predisposition screen in an ostensibly healthy population. It had not been previously curated by ICSL or reported in the Human Gene Mutation Database (HGMD: prior to June 1st, 2018), and was therefore a candidate for classification through an automated scoring system. Utilizing variant allele frequency, disease prevalence and penetrance estimates, and inheritance mode, an automated score was calculated to assess if this variant is too frequent to cause the disease. Based on the score and internal cut-off values, a variant classified as likely benign is not then subjected to further curation. The score for this variant resulted in a classification of likely benign for this disease.

Laboratory for Molecular Medicine, Mass General Brigham Personalized Medicine
Classification: Benign. Last evaluated: 2013-02-21. Review status: criteria provided, single submitter. Criteria: LMM Criteria. Collection method: clinical testing. Allele origin: germline. Observed: 2 variant alleles.
Comment: Ser145Ser in exon 3 of SCNN1G: This variant is not expected to have clinical sig nificance because it does not alter an amino acid residue and is not located wit hin the splice consensus sequence. It has been identified in 0.9% (38/4394) of A frican American chromosomes from a broad population by the NHLBI Exome Sequencin g Project (dbSNP rs62639702).

Breakthrough Genomics
Classification: Likely benign. Review status: criteria provided, single submitter. Criteria: ACMG Guidelines, 2015. Collection method: not provided. Allele origin: germline. Inheritance: Autosomal dominant inheritance. Affected: yes.

Literature cited by the submitters: PubMed 18507830 (cited by Mayo Clinic Laboratories, Mayo Clinic); PubMed 19462466 (cited by Mayo Clinic Laboratories, Mayo Clinic and Athena Diagnostics).